The following is an entry in ClinVar:

NM_001142966.3(GREB1L):c.5701C>T (p.Arg1901Trp)

Gene: GREB1L (GREB1 like retinoic acid receptor coactivator; plus strand). Cytogenetic location: 18q11.2.
Variant type: single nucleotide variant.
Coding change: c.5701C>T on transcript NM_001142966.3 (MANE Select); coding-DNA position 5701, C replaced by T.
Protein change: p.Arg1901Trp; replaces arginine 1901 with tryptophan.
Molecular consequence: missense variant.
Genome position (GRCh38, 1-based): chr18:21,522,750, C>T. VCF-style: chr18-21522750-C-T. GRCh37 (hg19) VCF-style: chr18-19102711-C-T.
Other names: c.5830C>T, p.Arg1944Trp (NM_001410867.1); c.5374C>T, p.Arg1792Trp (NM_001410868.1); short protein forms R1792W, R1944W, R1901W.
Identifiers: ClinVar variation 4988233 (VCV004988233.1).

ClinVar aggregate classification (germline): Uncertain significance (1 of 4 stars; one submission).

Conditions:
GREB1L-related disorder. Also called: GREB1L-related condition.

gnomAD v4.1: 50 of 1,551,550 alleles (0.0032%); highest among the groups gnomAD compares: Non-Finnish European, 0.004%; no homozygotes.

Submission:

PreventionGenetics, part of Exact Sciences
Classification: Uncertain significance for GREB1L-related condition. Last evaluated: 2025-03-05. Review status: criteria provided, single submitter. Criteria: ACMG Guidelines, 2015. Collection method: clinical testing. Allele origin: germline.
Comment: The GREB1L c.5701C>T variant is predicted to result in the amino acid substitution p.Arg1901Trp. To our knowledge, this variant has not been reported in the literature. This variant is reported in 0.0060% of alleles in individuals of African descent in gnomAD. At this time, the clinical significance of this variant is uncertain due to the absence of conclusive functional and genetic evidence.